The following is an entry in ClinVar:

ClinVar aggregate classification (germline): not provided (0 of 4 stars; one submission).

Allele frequency attached by ClinVar (database versions not stated): gnomAD 0.00001; gnomAD exomes 0.00001 and 0.00004; TOPMed 0.00001; ExAC 0.00005; 1000 Genomes Project 30x 0.00016; 1000 Genomes Project 0.00020.
gnomAD v4.1: 19 of 1,612,682 alleles (0.0012%); highest among the groups gnomAD compares: East Asian, 0.04%; no homozygotes.

Submission:

GeneDx
No classification provided. Last evaluated: 2014-12-03. Review status: no classification provided. Criteria: GeneDx Variant Classification (06012015). Collection method: clinical testing. Allele origin: germline. Affected: yes.
Comment: Missense variants in the TTN gene are considered 'unclassified' if they are not previously reported in the literature and do not have >1% frequency in the population to be considered a polymorphism. Research indicates that truncating mutations in the TTN gene are expected to account for approximately 25% of familial and 18% of sporadic idiopathic DCM; however, truncating variants in the TTN gene have been reported in approximately 3% of reported control alleles. There has been little investigation into non-truncating variants. (Herman D et al. Truncations of titin causing dilated cardiomyopathy. N Eng J Med 366:619-628, 2012) The variant is found in CARDIOMYOPATHY panel(s).

NM_001267550.2(TTN):c.48014C>G (p.Thr16005Arg)

Genes: TTN (titin; minus strand), TTN-AS1 (TTN antisense RNA 1; plus strand). Cytogenetic location: 2q31.2.
Variant type: single nucleotide variant.
Coding change: c.48014C>G on transcript NM_001267550.2 (MANE Select); coding-DNA position 48014, C replaced by G.
Protein change: p.Thr16005Arg; replaces threonine 16005 with arginine.
Molecular consequence: missense variant.
Genome position (GRCh38, 1-based): chr2:178,616,875, G>C on the plus strand (C>G on the coding strand, the complement: TTN is on the minus strand). VCF-style: chr2-178616875-G-C. GRCh37 (hg19) VCF-style: chr2-179481602-G-C.
Other names: p.T14364R:ACA>AGA; c.43091C>G, p.Thr14364Arg (NM_001256850.1); c.20819C>G, p.Thr6940Arg (NM_003319.4); c.40310C>G, p.Thr13437Arg (NM_133378.4); c.21194C>G, p.Thr7065Arg (NM_133432.3); c.21395C>G, p.Thr7132Arg (NM_133437.4); short protein forms T14364R, T16005R, T13437R, T7065R, T7132R, T6940R.
Identifiers: ClinVar variation 202661 (VCV000202661.1), dbSNP rs557711303, ClinGen allele CA309905.